The following is an entry in ClinVar:

ClinVar aggregate classification (germline): Conflicting classifications of pathogenicity. Review status: criteria provided, conflicting classifications (1 of 4 stars). 7 submissions from 7 submitters: Uncertain significance (2); Likely benign (5). Last evaluated 2026-01-16.

Conditions:
Catecholaminergic polymorphic ventricular tachycardia 1. Also called: RYR2-Related Catecholaminergic Polymorphic Ventricular Tachycardia; VENTRICULAR TACHYCARDIA, CATECHOLAMINERGIC POLYMORPHIC, 1, WITH OR WITHOUT ATRIAL DYSFUNCTION AND/OR DILATED CARDIOMYOPATHY; VENTRICULAR TACHYCARDIA, STRESS-INDUCED POLYMORPHIC 1. Identifiers: Orphanet 3286, MedGen C1631597, MONDO:0011484, OMIM 604772.
Cardiomyopathy (CMYO). Also called: Cardiomyopathies. Identifiers: Orphanet 167848, MedGen C0878544, MONDO:0004994, HP:0001638. Inheritance: Various modes of inheritance.
Cardiovascular phenotype. Identifiers: MedGen CN230736.

Allele frequency attached by ClinVar (database versions not stated): gnomAD 0.00005 and 0.00006; gnomAD exomes 0.00006 and 0.00010; TOPMed 0.00006; ExAC 0.00012.

Submissions (7):

Labcorp Genetics (formerly Invitae), Labcorp
Classification: Likely benign for Catecholaminergic polymorphic ventricular tachycardia 1. Last evaluated: 2026-01-16. Review status: criteria provided, single submitter. Criteria: Invitae Variant Classification Sherloc (09022015). Collection method: clinical testing. Allele origin: germline.

Ambry Genetics
Classification: Likely benign for Cardiovascular phenotype. Last evaluated: 2025-09-23. Review status: criteria provided, single submitter. Criteria: Ambry Variant Classification Scheme 2023. Collection method: clinical testing. Allele origin: germline.

GeneDx
Classification: Uncertain significance. Last evaluated: 2025-06-23. Review status: criteria provided, single submitter. Criteria: GeneDx Variant Classification Process June 2021. Collection method: clinical testing. Allele origin: germline. Affected: yes.
Comment: Reported as an incidental finding in a cohort of individuals referred for whole exome sequencing; however, specific clinical information about the individual(s) harboring this variant was not provided (PMID: 28404607); In silico analysis supports that this missense variant has a deleterious effect on protein structure/function; Not located in one of the three hot-spot regions of the RYR2 gene, where the majority of pathogenic missense variants occur (PMID: 19926015); This variant is associated with the following publications: (PMID: 19926015, 28404607)

Laboratory of Genetics, Children's Clinical University Hospital Latvia
Classification: Likely benign. Last evaluated: 2025-02-16. Review status: criteria provided, single submitter. Criteria: ACMG Guidelines, 2015. Collection method: clinical testing. Allele origin: germline. Affected: yes.

Color Diagnostics, LLC DBA Color Health
Classification: Likely benign for Cardiomyopathy. Last evaluated: 2023-04-28. Review status: criteria provided, single submitter. Criteria: ACMG Guidelines, 2015. Collection method: clinical testing. Allele origin: germline.

MVZ Martinsried, Medicover Genetics
Classification: Uncertain significance for Catecholaminergic polymorphic ventricular tachycardia 1. Last evaluated: 2020-07-01. Review status: criteria provided, single submitter. Criteria: ACGS Guidelines, 2020. Collection method: clinical testing. Allele origin: unknown. Affected: yes.

Women's Health and Genetics/Laboratory Corporation of America, LabCorp
Classification: Likely benign. Last evaluated: 2018-06-04. Review status: criteria provided, single submitter. Criteria: LabCorp Variant Classification Summary - May 2015. Collection method: clinical testing. Allele origin: germline.
Comment: Variant summary: RYR2 c.1511G>A (p.Arg504His) results in a non-conservative amino acid change located in the RIH domain of the encoded protein sequence. Three of five in-silico tools predict a damaging effect of the variant on protein function. The variant allele was found at a frequency of 0.00011 in 273504 control chromosomes. The observed variant frequency is approximately 4.24 fold of the estimated maximal expected allele frequency for a pathogenic variant in RYR2 causing Cardiomyopathy phenotype (2.5e-05), strongly suggesting that the variant is benign. c.1511G>A has been reported in the literature in individuals affected with Cardiomyopathy. These report(s) do not provide unequivocal conclusions about association of the variant with Cardiomyopathy. Co-occurrences with other pathogenic variant(s) have been reported (ALMS1 c.3569delT, Phe1192fsX73), providing supporting evidence for a benign role although the possibility of an incidental carrier status for autosomal recessive Alstrom syndrome cannot be ruled out. To our knowledge, no experimental evidence demonstrating an impact on protein function has been reported. No clinical diagnostic laboratories have submitted clinical-significance assessments for this variant to ClinVar after 2014. Based on the evidence outlined above, the variant was classified as likely benign.

Literature cited by the submitters: PubMed 28404607 (cited by Ambry Genetics and Women's Health and Genetics/Laboratory Corporation of America, LabCorp).

NM_001035.3(RYR2):c.1511G>A (p.Arg504His)

Gene: RYR2 (ryanodine receptor 2; plus strand). Cytogenetic location: 1q43.
Variant type: single nucleotide variant.
Coding change: c.1511G>A on transcript NM_001035.3 (MANE Select); coding-DNA position 1511, G replaced by A.
Protein change: p.Arg504His; replaces arginine 504 with histidine.
Molecular consequence: missense variant.
Genome position (GRCh38, 1-based): chr1:237,456,634, G>A. VCF-style: chr1-237456634-G-A. GRCh37 (hg19) VCF-style: chr1-237619934-G-A.
Other names: c.1511G>A, p.Arg504His (LRG_402t1); short protein forms R504H.
Identifiers: ClinVar variation 633398 (VCV000633398.22), dbSNP rs201600087, ClinGen allele CA085797.
Genomic context (GRCh38, chr1:237,456,634, plus strand): 5'-GATTTTTTTTTTTTTTAACGTTCCAGGGAATGATCAACCTCGTGCTTGAGTGCATAGACC[G>A]TTTGCACGTCTACAGCAGTGCAGCACACTTTGCTGATGTTGCTGGGCGAGAAGCAGGAGA-3'
Protein context (NP_001026.2, residues 494-514): MINLVLECID[Arg504His]LHVYSSAAHF